The following is an entry in ClinVar:

NM_014233.4(UBTF):c.660+10C>T

Genes: ATXN7L3-AS1 (ATXN7L3 antisense RNA 1; plus strand), UBTF (upstream binding transcription factor; minus strand). Cytogenetic location: 17q21.31.
Variant type: single nucleotide variant.
Coding change: c.660+10C>T on transcript NM_014233.4 (MANE Select); 10 bases into the intron after coding-DNA position 660, C replaced by T.
Molecular consequence: intron variant.
Genome position (GRCh38, 1-based): chr17:44,212,809, G>A on the plus strand (C>T on the coding strand, the complement: UBTF is on the minus strand). VCF-style: chr17-44212809-G-A. GRCh37 (hg19) VCF-style: chr17-42290177-G-A.
Other names: c.660+10C>T (NM_014233.3, NM_001076683.2, NM_001076684.3).
Identifiers: ClinVar variation 4849043 (VCV004849043.2).

ClinVar aggregate classification (germline): Likely benign. Review status: criteria provided, multiple submitters, no conflicts (2 of 4 stars). 2 submissions from 2 submitters: Likely benign (2). Last evaluated 2026-04-27.

Conditions:
UBTF-related disorder. Also called: UBTF-related condition.

gnomAD v4.1: 59 of 1,613,464 alleles (0.0037%); highest among the groups gnomAD compares: South Asian, 0.036%; 1 homozygote.

Submissions (2):

Women's Health and Genetics/Laboratory Corporation of America, LabCorp
Classification: Likely benign. Last evaluated: 2026-04-27. Review status: criteria provided, single submitter. Criteria: LabCorp Variant Classification Summary - May 2015. Collection method: clinical testing. Allele origin: germline.

PreventionGenetics, part of Exact Sciences
Classification: Likely benign for UBTF-related condition. Last evaluated: 2025-12-21. Review status: criteria provided, single submitter. Criteria: ACMG Guidelines, 2015. Collection method: clinical testing. Allele origin: germline.
Comment: This variant is classified as likely benign based on ACMG/AMP sequence variant interpretation guidelines (Richards et al. 2015 PMID: 25741868, with internal and published modifications).